The following is an entry in ClinVar:

NC_000005.9:g.(?_1287194)_(1297488_?)del

Gene: TERT (telomerase reverse transcriptase; minus strand). Cytogenetic location: 5p15.33.
Variant type: Deletion.
Identifiers: ClinVar variation 1074268 (VCV001074268.42).

ClinVar aggregate classification (germline): Pathogenic (1 of 4 stars; one submission).

Conditions:
Idiopathic Pulmonary Fibrosis. Also called: Idiopathic fibrosing alveolitis, chronic form; idiopathic fibrosing alveolitis. Identifiers: Orphanet 2032, MedGen C1800706, MeSH D054990, MONDO:0800504.
Dyskeratosis congenita, autosomal dominant 2. Identifiers: MedGen C3151443, MONDO:0013521, OMIM 613989.

Submission:

Labcorp Genetics (formerly Invitae), Labcorp
Classification: Pathogenic for Dyskeratosis congenita, autosomal dominant 2; Idiopathic Pulmonary Fibrosis. Last evaluated: 2022-01-28. Review status: criteria provided, single submitter. Criteria: Invitae Variant Classification Sherloc (09022015). Collection method: clinical testing. Allele origin: germline.
Comment: This variant is a gross deletion of the genomic region encompassing exon(s) 1-2 of the TERT gene, which includes the initiator codon. This deletion extends beyond the assayed region for this gene and therefore may encompass additional genes. It is expected to result in an absent or disrupted protein product. Loss-of-function variants in TERT are known to be pathogenic (PMID: 16247010, 17460043). This variant has not been reported in the literature in individuals affected with TERT-related conditions. For these reasons, this variant has been classified as Pathogenic.

Literature cited by the submitters: PubMed 16247010; PubMed 17460043.